The following is an entry in ClinVar:

ClinVar aggregate classification (germline): Uncertain significance (1 of 4 stars; one submission).

Conditions:
Congenital myasthenic syndrome 2A. Also called: Myasthenic syndrome, congenital, 2a, slow-channel. Identifiers: Orphanet 590, MedGen C4225374, MONDO:0014581, OMIM 616313.

Allele frequency attached by ClinVar (database versions not stated): gnomAD exomes 0.00001 and 0.00002; ExAC 0.00003; gnomAD 0.00003 and 0.00004; TOPMed 0.00004.
gnomAD v4.1: 15 of 1,611,912 alleles (0.00093%); highest among the groups gnomAD compares: African/African-American, 0.0093%; no homozygotes.

Submission:

Labcorp Genetics (formerly Invitae), Labcorp
Classification: Uncertain significance for Congenital myasthenic syndrome 2A. Last evaluated: 2024-12-17. Review status: criteria provided, single submitter. Criteria: Invitae Variant Classification Sherloc (09022015). Collection method: clinical testing. Allele origin: germline.
Comment: This sequence change falls in intron 5 of the CHRNB1 gene. It does not directly change the encoded amino acid sequence of the CHRNB1 protein. It affects a nucleotide within the consensus splice site. This variant is present in population databases (rs780337044, gnomAD 0.01%). This variant has not been reported in the literature in individuals affected with CHRNB1-related conditions. ClinVar contains an entry for this variant (Variation ID: 858008). Variants that disrupt the consensus splice site are a relatively common cause of aberrant splicing (PMID: 17576681, 9536098). Algorithms developed to predict the effect of sequence changes on RNA splicing suggest that this variant is not likely to affect RNA splicing. In summary, the available evidence is currently insufficient to determine the role of this variant in disease. Therefore, it has been classified as a Variant of Uncertain Significance.

Literature cited by the submitters: PubMed 17576681; PubMed 9536098.

NM_000747.3(CHRNB1):c.462+6C>T

Gene: CHRNB1 (cholinergic receptor nicotinic beta 1 subunit; plus strand). Cytogenetic location: 17p13.1.
Variant type: single nucleotide variant.
Coding change: c.462+6C>T on transcript NM_000747.3 (MANE Select); 6 bases into the intron after coding-DNA position 462, C replaced by T.
Molecular consequence: intron variant.
Genome position (GRCh38, 1-based): chr17:7,447,157, C>T. VCF-style: chr17-7447157-C-T. GRCh37 (hg19) VCF-style: chr17-7350476-C-T.
Identifiers: ClinVar variation 858008 (VCV000858008.7), dbSNP rs780337044, ClinGen allele CA8347775.
Genomic context (GRCh38, chr17:7,447,157, plus strand): 5'-CGGCTCCGTGCGTTGGCAACCCCCGGGCATCTATCGCAGCAGCTGCAGCATCCAGGTTTC[C>T]GGCCTCCACATTGGAAGCTGAAGGAGCTCTTACAAATCCTCCCTTTCCTTAGACATCCTG-3'